The following is an entry in ClinVar:

ClinVar aggregate classification (germline): Uncertain significance. Review status: criteria provided, multiple submitters, no conflicts (2 of 4 stars). 2 submissions from 2 submitters: Uncertain significance (2). Last evaluated 2024-02-08.

Conditions:
Finnish type amyloidosis. Also called: Lattice corneal dystrophy associated with familial systemic amyloidosis; Meretoja's syndrome; Lattice dystrophy of the cornea with hereditary generalized amyloidosis; Amyloidosis, familial, Finnish type; Meretoja type amyloidosis; Amyloidosis 5. Identifiers: Orphanet 85448, MedGen C1622345, MONDO:0007097, OMIM 105120.

gnomAD v4.1: 3 of 1,614,158 alleles (0.00019%); highest among the groups gnomAD compares: Admixed American, 0.005%; no homozygotes.

Submissions (2):

Fulgent Genetics
Classification: Uncertain significance for Finnish type amyloidosis. Last evaluated: 2024-02-08. Review status: criteria provided, single submitter. Criteria: ACMG Guidelines, 2015. Collection method: clinical testing. Allele origin: germline.

Labcorp Genetics (formerly Invitae), Labcorp
Classification: Uncertain significance. Last evaluated: 2021-10-08. Review status: criteria provided, single submitter. Criteria: Invitae Variant Classification Sherloc (09022015). Collection method: clinical testing. Allele origin: germline.
Comment: In summary, the available evidence is currently insufficient to determine the role of this variant in disease. Therefore, it has been classified as a Variant of Uncertain Significance. Algorithms developed to predict the effect of missense changes on protein structure and function (SIFT, PolyPhen-2, Align-GVGD) all suggest that this variant is likely to be tolerated. This variant has not been reported in the literature in individuals affected with GSN-related conditions. This variant is not present in population databases (ExAC no frequency). This sequence change replaces asparagine with lysine at codon 105 of the GSN protein (p.Asn105Lys). The asparagine residue is moderately conserved and there is a moderate physicochemical difference between asparagine and lysine.

NM_198252.3(GSN):c.162C>G (p.Asn54Lys)

Gene: GSN (gelsolin; plus strand). Cytogenetic location: 9q33.2.
Variant type: single nucleotide variant.
Coding change: c.162C>G on transcript NM_198252.3 (MANE Select); coding-DNA position 162, C replaced by G.
Protein change: p.Asn54Lys; replaces asparagine 54 with lysine.
Molecular consequence: missense variant. On other transcripts: intron variant (1).
Genome position (GRCh38, 1-based): chr9:121,302,133, C>G. VCF-style: chr9-121302133-C-G. GRCh37 (hg19) VCF-style: chr9-124064411-C-G.
Other names: c.270C>G, p.Asn90Lys (NM_001127663.2); c.162C>G, p.Asn54Lys (NM_001127664.2, NM_001127665.2, NM_001353053.1 and 10 more transcripts); c.195C>G, p.Asn65Lys (NM_001127666.2, NM_001127667.2, NM_001353063.2 and 13 more transcripts); c.213C>G, p.Asn71Lys (NM_001258029.2); c.186C>G, p.Asn62Lys (NM_001258030.2); c.315C>G, p.Asn105Lys (NM_000177.5); c.234C>G, p.Asn78Lys (NM_001353076.2); c.-458-778C>G (NM_001353078.2); short protein forms N54K, N71K, N90K, N105K, N62K, N65K, N78K.
Identifiers: ClinVar variation 1502773 (VCV001502773.8), dbSNP rs146365204, ClinGen allele CA374732374.